The following is an entry in ClinVar:

NM_001999.4(FBN2):c.4390C>T (p.Gln1464Ter)

Gene: FBN2 (fibrillin 2; minus strand). Cytogenetic location: 5q23.3.
Variant type: single nucleotide variant.
Coding change: c.4390C>T on transcript NM_001999.4 (MANE Select); coding-DNA position 4390, C replaced by T.
Protein change: p.Gln1464Ter; replaces glutamine 1464 with a stop codon.
Molecular consequence: nonsense.
Genome position (GRCh38, 1-based): chr5:128,328,777, G>A on the plus strand (C>T on the coding strand, the complement: FBN2 is on the minus strand). VCF-style: chr5-128328777-G-A. GRCh37 (hg19) VCF-style: chr5-127664469-G-A.
Other names: short protein forms Q1464*.
Identifiers: ClinVar variation 4689669 (VCV004689669.1).

ClinVar aggregate classification (germline): Uncertain significance (1 of 4 stars; one submission).

Submission:

Women's Health and Genetics/Laboratory Corporation of America, LabCorp
Classification: Uncertain significance. Last evaluated: 2026-01-05. Review status: criteria provided, single submitter. Criteria: LabCorp Variant Classification Summary - May 2015. Collection method: clinical testing. Allele origin: germline.
Comment: Variant summary: FBN2 c.4390C>T (p.Gln1464X) results in a premature termination codon, predicted to cause a truncation of the encoded protein or absence of the protein due to nonsense mediated decay, however current evidence is not sufficient to establish loss of function as a mechanism for disease. The variant was absent in 251370 control chromosomes (gnomAD). The available data on variant occurrences in the general population are insufficient to allow any conclusion about variant significance. To our knowledge, no occurrence of c.4390C>T in individuals affected with FBN2-related conditions and no experimental evidence demonstrating its impact on protein function have been reported. No submitters have cited clinical-significance assessments for this variant to ClinVar. Based on the evidence outlined above, the variant was classified as uncertain significance.